The following is an entry in ClinVar:

NM_020964.3(EPG5):c.6922C>A (p.Leu2308Ile)

Gene: EPG5 (ectopic P-granules 5 autophagy tethering factor; minus strand). Cytogenetic location: 18q12.3.
Variant type: single nucleotide variant.
Coding change: c.6922C>A on transcript NM_020964.3 (MANE Select); coding-DNA position 6922, C replaced by A.
Protein change: p.Leu2308Ile; replaces leucine 2308 with isoleucine.
Molecular consequence: missense variant.
Genome position (GRCh38, 1-based): chr18:45,860,191, G>T on the plus strand (C>A on the coding strand, the complement: EPG5 is on the minus strand). VCF-style: chr18-45860191-G-T. GRCh37 (hg19) VCF-style: chr18-43440156-G-T.
Other names: c.6922C>A, p.Leu2308Ile (NM_001410858.1); c.6919C>A, p.Leu2307Ile (NM_001410859.1); short protein forms L2307I, L2308I.
Identifiers: ClinVar variation 4811973 (VCV004811973.1).

ClinVar aggregate classification (germline): Uncertain significance (1 of 4 stars; one submission).

Conditions:
Vici syndrome (VICIS). Identifiers: Orphanet 1493, MedGen C1855772, MONDO:0009452, OMIM 242840.

Submission:

Labcorp Genetics (formerly Invitae), Labcorp
Classification: Uncertain significance for Vici syndrome. Last evaluated: 2025-07-20. Review status: criteria provided, single submitter. Criteria: Invitae Variant Classification Sherloc (09022015). Collection method: clinical testing. Allele origin: germline.
Comment: This sequence change replaces leucine, which is neutral and non-polar, with isoleucine, which is neutral and non-polar, at codon 2308 of the EPG5 protein (p.Leu2308Ile). This variant is not present in population databases (gnomAD no frequency). This variant has not been reported in the literature in individuals affected with EPG5-related conditions. Invitae Evidence Modeling of protein sequence and biophysical properties (such as structural, functional, and spatial information, amino acid conservation, physicochemical variation, residue mobility, and thermodynamic stability) has been performed for this missense variant. However, the output from this modeling did not meet the statistical confidence thresholds required to predict the impact of this variant on EPG5 protein function. In summary, the available evidence is currently insufficient to determine the role of this variant in disease. Therefore, it has been classified as a Variant of Uncertain Significance.